The following is an entry in ClinVar:

NC_000017.10:g.(?_29546017)_(29585526_?)dup

Gene: NF1 (neurofibromin 1; plus strand). Cytogenetic location: 17q11.2.
Variant type: Duplication.
Identifiers: ClinVar variation 457507 (VCV000457507.3).

ClinVar aggregate classification (germline): Uncertain significance (1 of 4 stars; one submission).

Conditions:
Neurofibromatosis, type 1 (NF1). Also called: VON RECKLINGHAUSEN DISEASE; NEUROFIBROMATOSIS, TYPE I, SOMATIC; Peripheral type neurofibromatosis; Neurofibromatosis, type I. Identifiers: Orphanet 636, MedGen C0027831, MONDO:0018975, OMIM 162200. Disease mechanism: loss of function.

Submission:

Labcorp Genetics (formerly Invitae), Labcorp
Classification: Uncertain significance for Neurofibromatosis, type 1. Last evaluated: 2017-03-27. Review status: criteria provided, single submitter. Criteria: Invitae Variant Classification Sherloc (09022015). Collection method: clinical testing. Allele origin: germline.
Comment: In summary, the exact genomic location of this variant is unknown and the impact of this duplication on NF1 protein function has not been established. Therefore, it has been classified as a Variant of Uncertain Significance. This variant has not been reported in the literature in individuals with a NF1-related disease. This variant is a gross duplication of the genomic region encompassing exons 14-31 of the NF1 gene. While the exact position of the duplicated exons cannot be determined from this data, the duplicated copy of this region is likely in tandem and in-frame, therefore preserving the integrity of the reading frame.